The following is an entry in ClinVar:

NM_025114.4(CEP290):c.2186A>T (p.Tyr729Phe)

Gene: CEP290 (centrosomal protein 290; minus strand). Cytogenetic location: 12q21.32.
Variant type: single nucleotide variant.
Coding change: c.2186A>T on transcript NM_025114.4 (MANE Select); coding-DNA position 2186, A replaced by T.
Protein change: p.Tyr729Phe; replaces tyrosine 729 with phenylalanine.
Molecular consequence: missense variant.
Genome position (GRCh38, 1-based): chr12:88,111,725, T>A on the plus strand (A>T on the coding strand, the complement: CEP290 is on the minus strand). VCF-style: chr12-88111725-T-A. GRCh37 (hg19) VCF-style: chr12-88505502-T-A.
Other names: short protein forms Y729F.
Identifiers: ClinVar variation 1927638 (VCV001927638.3), dbSNP rs1372332421, ClinGen allele CA385974892.
Genomic context (GRCh38, chr12:88,111,725, plus strand): 5'-CATTTTCTTTTATTTAATAAAATTCTCACCTTTAAATTAGCTTTTGCCAACTGCTGTGAA[T>A]AATTTATAGCCTCTTTCCGAGATTCCCTGAGCTCCTGTCTTAATTCTTCATTTCTTCCGG-3'
Protein context (NP_079390.3, residues 719-739): LRESRKEAIN[Tyr729Phe]SQQLAKANLK

ClinVar aggregate classification (germline): Uncertain significance. Review status: criteria provided, multiple submitters, no conflicts (2 of 4 stars). 2 submissions from 2 submitters: Uncertain significance (2). Last evaluated 2022-01-21.

Conditions:
Nephronophthisis. Also called: Juvenile Nephronophthisis. Identifiers: Orphanet 655, MedGen C0687120, MONDO:0019005, HP:0000090.
Joubert syndrome. Also called: JOUBERT-BOLTSHAUSER SYNDROME; Familial aplasia of the vermis. Identifiers: Orphanet 475, MedGen C5979921, MONDO:0018772.
Meckel-Gruber syndrome. Also called: DYSENCEPHALIA SPLANCHNOCYSTICA; GRUBER SYNDROME; Dysencephalia splachnocystica. Identifiers: Orphanet 564, MedGen C0265215, MONDO:0018921.

Allele frequency attached by ClinVar (database versions not stated): gnomAD exomes below 0.00001.
gnomAD v4.1: 6 of 1,597,424 alleles (0.00038%); highest among the groups gnomAD compares: East Asian, 0.0091%; no homozygotes.

Submissions (2):

Labcorp Genetics (formerly Invitae), Labcorp
Classification: Uncertain significance for Joubert syndrome; Meckel-Gruber syndrome; Nephronophthisis. Last evaluated: 2022-01-21. Review status: criteria provided, single submitter. Criteria: Invitae Variant Classification Sherloc (09022015). Collection method: clinical testing. Allele origin: germline.
Comment: This sequence change replaces tyrosine, which is neutral and polar, with phenylalanine, which is neutral and non-polar, at codon 729 of the CEP290 protein (p.Tyr729Phe). This variant is present in population databases (no rsID available, gnomAD 0.01%). This variant has not been reported in the literature in individuals affected with CEP290-related conditions. Algorithms developed to predict the effect of missense changes on protein structure and function output the following: SIFT: "Deleterious"; PolyPhen-2: "Benign"; Align-GVGD: "Class C0". The phenylalanine amino acid residue is found in multiple mammalian species, which suggests that this missense change does not adversely affect protein function. In summary, the available evidence is currently insufficient to determine the role of this variant in disease. Therefore, it has been classified as a Variant of Uncertain Significance.

Blueprint Genetics
Classification: Uncertain significance. Last evaluated: 2019-07-12. Review status: criteria provided, single submitter. Criteria: ACMG Guidelines, 2015. Collection method: clinical testing. Allele origin: germline.